The following is an entry in ClinVar:

NM_005219.5(DIAPH1):c.922A>G (p.Ile308Val)

Gene: DIAPH1 (diaphanous related formin 1; minus strand). Cytogenetic location: 5q31.3.
Variant type: single nucleotide variant.
Coding change: c.922A>G on transcript NM_005219.5 (MANE Select); coding-DNA position 922, A replaced by G.
Protein change: p.Ile308Val; replaces isoleucine 308 with valine.
Molecular consequence: missense variant.
Genome position (GRCh38, 1-based): chr5:141,579,099, T>C on the plus strand (A>G on the coding strand, the complement: DIAPH1 is on the minus strand). VCF-style: chr5-141579099-T-C. GRCh37 (hg19) VCF-style: chr5-140958666-T-C.
Other names: c.922A>G (NM_005219.4); c.895A>G, p.Ile299Val (NM_001079812.3); c.922A>G, p.Ile308Val (NM_001314007.2); short protein forms I299V, I308V.
Identifiers: ClinVar variation 1358258 (VCV001358258.8), dbSNP rs752555506, ClinGen allele CA3479452.

ClinVar aggregate classification (germline): Uncertain significance. Review status: criteria provided, multiple submitters, no conflicts (2 of 4 stars). 2 submissions from 2 submitters: Uncertain significance (2). Last evaluated 2025-08-18.

Conditions:
Autosomal dominant nonsyndromic hearing loss 1. Also called: KONIGSMARK SYNDROME; DEAFNESS, AUTOSOMAL DOMINANT 1, WITH OR WITHOUT THROMBOCYTOPENIA. Identifiers: Orphanet 90635, MedGen C1852282, MONDO:0007424, OMIM 124900.
Progressive microcephaly-seizures-cortical blindness-developmental delay syndrome. Also called: Seizures, cortical blindness, and microcephaly syndrome. Identifiers: Orphanet 477814, MedGen C5567650, MONDO:0014714, OMIM 616632.

Allele frequency attached by ClinVar (database versions not stated): gnomAD exomes 0.00001 and 0.00005; TOPMed 0.00002; ExAC 0.00009.
gnomAD v4.1: 20 of 1,613,530 alleles (0.0012%); highest among the groups gnomAD compares: Admixed American, 0.02%; no homozygotes.

Submissions (2):

GeneDx
Classification: Uncertain significance. Last evaluated: 2025-08-18. Review status: criteria provided, single submitter. Criteria: GeneDx Variant Classification Process June 2021. Collection method: clinical testing. Allele origin: germline.
Comment: In silico analysis suggests that this missense variant does not alter protein structure/function; Has not been previously published as pathogenic or benign to our knowledge

Labcorp Genetics (formerly Invitae), Labcorp
Classification: Uncertain significance for Progressive microcephaly-seizures-cortical blindness-developmental delay syndrome; Autosomal dominant nonsyndromic hearing loss 1. Last evaluated: 2025-06-15. Review status: criteria provided, single submitter. Criteria: Invitae Variant Classification Sherloc (09022015). Collection method: clinical testing. Allele origin: germline.
Comment: This sequence change replaces isoleucine, which is neutral and non-polar, with valine, which is neutral and non-polar, at codon 308 of the DIAPH1 protein (p.Ile308Val). This variant is present in population databases (rs752555506, gnomAD 0.01%). This variant has not been reported in the literature in individuals affected with DIAPH1-related conditions. ClinVar contains an entry for this variant (Variation ID: 1358258). Experimental studies and prediction algorithms are not available or were not evaluated, and the functional significance of this variant is currently unknown. In summary, the available evidence is currently insufficient to determine the role of this variant in disease. Therefore, it has been classified as a Variant of Uncertain Significance.